The following is an entry in ClinVar:

NM_000027.4(AGA):c.793C>T (p.Arg265Cys)

Gene: AGA (aspartylglucosaminidase; minus strand). Cytogenetic location: 4q34.3.
Variant type: single nucleotide variant.
Coding change: c.793C>T on transcript NM_000027.4 (MANE Select); coding-DNA position 793, C replaced by T.
Protein change: p.Arg265Cys; replaces arginine 265 with cysteine.
Molecular consequence: missense variant. On other transcripts: non-coding transcript variant (1).
Genome position (GRCh38, 1-based): chr4:177,434,395, G>A on the plus strand (C>T on the coding strand, the complement: AGA is on the minus strand). VCF-style: chr4-177434395-G-A. GRCh37 (hg19) VCF-style: chr4-178355549-G-A.
Other names: c.763C>T, p.Arg255Cys (NM_001171988.2); short protein forms R265C, R255C.
Identifiers: ClinVar variation 92310 (VCV000092310.19), dbSNP rs146710132, ClinGen allele CA220248.

ClinVar aggregate classification (germline): Uncertain significance. Review status: criteria provided, multiple submitters, no conflicts (2 of 4 stars). 8 submissions from 8 submitters: Uncertain significance (7). 1 of the submissions does not count toward it. Last evaluated 2024-10-14.

Conditions:
Aspartylglucosaminuria (AGU). Also called: GLYCOASPARAGINASE; GLYCOSYLASPARAGINASE DEFICIENCY; Aspartylglucos-aminuria; Aspartylglucos-amidase (AGA) deficiency; AGA DEFICIENCY. Identifiers: Orphanet 93, MedGen C0268225, MONDO:0008830, OMIM 208400, HP:0012068.

Allele frequency attached by ClinVar (database versions not stated): ExAC 0.00014; gnomAD 0.00014 and 0.00015; ESP Exome Variant Server 0.00023; gnomAD exomes 0.00014; TOPMed 0.00016.
gnomAD v4.1: 439 of 1,613,780 alleles (0.027%); highest among the groups gnomAD compares: Non-Finnish European, 0.034%; 1 homozygote.

Submissions (8):

Blueprint Genetics
Classification: Uncertain significance. Last evaluated: 2024-10-14. Review status: criteria provided, single submitter. Criteria: ACMG Guidelines, 2015. Collection method: clinical testing. Allele origin: germline.

Labcorp Genetics (formerly Invitae), Labcorp
Classification: Uncertain significance for Aspartylglucosaminuria. Last evaluated: 2022-07-25. Review status: criteria provided, single submitter. Criteria: Invitae Variant Classification Sherloc (09022015). Collection method: clinical testing. Allele origin: germline.
Comment: This sequence change replaces arginine, which is basic and polar, with cysteine, which is neutral and slightly polar, at codon 265 of the AGA protein (p.Arg265Cys). This variant is present in population databases (rs146710132, gnomAD 0.03%). This variant has not been reported in the literature in individuals affected with AGA-related conditions. ClinVar contains an entry for this variant (Variation ID: 92310). Algorithms developed to predict the effect of missense changes on protein structure and function (SIFT, PolyPhen-2, Align-GVGD) all suggest that this variant is likely to be disruptive. In summary, the available evidence is currently insufficient to determine the role of this variant in disease. Therefore, it has been classified as a Variant of Uncertain Significance.

Fulgent Genetics
Classification: Uncertain significance for Aspartylglucosaminuria. Last evaluated: 2022-01-21. Review status: criteria provided, single submitter. Criteria: ACMG Guidelines, 2015. Collection method: clinical testing. Allele origin: unknown.

Illumina Laboratory Services, Illumina
Classification: Uncertain significance for Aspartylglucosaminuria. Last evaluated: 2018-01-13. Review status: criteria provided, single submitter. Criteria: ICSL Variant Classification Criteria 13 December 2019. Collection method: clinical testing. Allele origin: germline.

Eurofins Ntd Llc (ga)
Classification: Uncertain significance. Last evaluated: 2012-12-12. Review status: criteria provided, single submitter. Criteria: EGL Classification Definitions 2015. Collection method: clinical testing. Allele origin: germline. Observed: 1 variant allele, 1 heterozygote.

Breakthrough Genomics
Classification: Uncertain significance. Review status: criteria provided, single submitter. Criteria: ACMG Guidelines, 2015. Collection method: not provided. Allele origin: germline. Inheritance: Autosomal recessive inheritance. Affected: yes.

Juno Genomics, Hangzhou Juno Genomics, Inc
Classification: Uncertain significance for Aspartylglucosaminuria. Review status: criteria provided, single submitter. Criteria: ACMG Guidelines, 2015. Collection method: clinical testing. Allele origin: germline.
Comment: Absent from controls (or at extremely low frequency if recessive) in Genome Aggregation Database.;Multiple lines of computational evidence support a deleterious effect on the gene or gene product.

Natera, Inc.
Classification: Uncertain significance for Aspartylglucosaminuria. Last evaluated: 2020-04-16. Review status: no assertion criteria provided. Collection method: clinical testing. Allele origin: germline. Not counted in ClinVar's aggregate classification.